The following is an entry in ClinVar:

NM_001377.3(DYNC2H1):c.10093G>T (p.Glu3365Ter)

Gene: DYNC2H1 (dynein cytoplasmic 2 heavy chain 1; plus strand). Cytogenetic location: 11q22.3.
Variant type: single nucleotide variant.
Coding change: c.10093G>T on transcript NM_001377.3 (MANE Select); coding-DNA position 10093, G replaced by T.
Protein change: p.Glu3365Ter; replaces glutamic acid 3365 with a stop codon.
Molecular consequence: nonsense.
Genome position (GRCh38, 1-based): chr11:103,253,335, G>T. VCF-style: chr11-103253335-G-T. GRCh37 (hg19) VCF-style: chr11-103124064-G-T.
Other names: c.10114G>T, p.Glu3372Ter (NM_001080463.2); short protein forms E3372*, E3365*.
Identifiers: ClinVar variation 3598899 (VCV003598899.2).

ClinVar aggregate classification (germline): Pathogenic/Likely pathogenic. Review status: criteria provided, multiple submitters, no conflicts (2 of 4 stars). 2 submissions from 2 submitters: Pathogenic (1); Likely pathogenic (1). Last evaluated 2024-06-20.

Conditions:
Asphyxiating thoracic dystrophy 3. Also called: Short rib polydactyly syndrome 2B; SHORT-RIB THORACIC DYSPLASIA 3 WITH OR WITHOUT POLYDACTYLY; POLYDACTYLY WITH NEONATAL CHONDRODYSTROPHY, TYPE I; SHORT-RIB THORACIC DYSPLASIA 3/6 WITH POLYDACTYLY, DIGENIC; Saldino-Noonan Syndrome. Identifiers: Orphanet 474, Orphanet 93269, Orphanet 93270, Orphanet 93271, MedGen C0036069, MONDO:0013127, OMIM 613091.

gnomAD v4.1: 1 of 1,613,216 alleles (0.000062%); highest among the groups gnomAD compares: Admixed American, 0.0017%; no homozygotes.

Submissions (2):

Myriad Genetics, Inc.
Classification: Pathogenic for Asphyxiating thoracic dystrophy 3. Last evaluated: 2024-06-20. Review status: criteria provided, single submitter. Criteria: Myriad Autosomal Dominant, Autosomal Recessive and X-Linked Classification Criteria (2023). Collection method: clinical testing. Allele origin: unknown.
Comment: NM_001377.2(DYNC2H1):c.10093G>T(E3365*) is expected to be pathogenic in the context of DYNC2H1-related disorders. This variant is predicted to lead to an abnormal or absent protein product due to the creation of a premature termination codon in DYNC2H1, a gene where loss-of-function variants are known to be pathogenic. Please note: this variant was assessed in the context of healthy population screening.

Fulgent Genetics
Classification: Likely pathogenic for Asphyxiating thoracic dystrophy 3. Last evaluated: 2024-03-04. Review status: criteria provided, single submitter. Criteria: ACMG Guidelines, 2015. Collection method: clinical testing. Allele origin: germline.